The following is an entry in ClinVar:

NM_021942.6(TRAPPC11):c.2962A>G (p.Arg988Gly)

Gene: TRAPPC11 (trafficking protein particle complex subunit 11; plus strand). Cytogenetic location: 4q35.1.
Variant type: single nucleotide variant.
Coding change: c.2962A>G on transcript NM_021942.6 (MANE Select); coding-DNA position 2962, A replaced by G.
Protein change: p.Arg988Gly; replaces arginine 988 with glycine.
Molecular consequence: missense variant.
Genome position (GRCh38, 1-based): chr4:183,701,807, A>G. VCF-style: chr4-183701807-A-G. GRCh37 (hg19) VCF-style: chr4-184622960-A-G.
Other names: c.2962A>G, p.Arg988Gly (NM_199053.3); short protein forms R988G.
Identifiers: ClinVar variation 952386 (VCV000952386.10), dbSNP rs1199947558, ClinGen allele CA358873970.

ClinVar aggregate classification (germline): Uncertain significance (1 of 4 stars; one submission).

Conditions:
Autosomal recessive limb-girdle muscular dystrophy type R18 (LGMDR18). Also called: MUSCULAR DYSTROPHY, LIMB-GIRDLE, AUTOSOMAL RECESSIVE 18; Limb-girdle muscular dystrophy, type 2S; Autosomal recessive limb-girdle muscular dystrophy type 2S. Identifiers: Orphanet 369840, MedGen C4517996, MONDO:0014144, OMIM 615356.

Allele frequency attached by ClinVar (database versions not stated): gnomAD exomes below 0.00001; gnomAD 0.00001; TOPMed 0.00002.
gnomAD v4.1: 7 of 1,585,598 alleles (0.00044%); highest among the groups gnomAD compares: Admixed American, 0.0017%; no homozygotes.

Submission:

Labcorp Genetics (formerly Invitae), Labcorp
Classification: Uncertain significance for Autosomal recessive limb-girdle muscular dystrophy type R18. Last evaluated: 2023-03-21. Review status: criteria provided, single submitter. Criteria: Invitae Variant Classification Sherloc (09022015). Collection method: clinical testing. Allele origin: germline.
Comment: This variant is present in population databases (no rsID available, gnomAD 0.004%). In summary, the available evidence is currently insufficient to determine the role of this variant in disease. Therefore, it has been classified as a Variant of Uncertain Significance. Algorithms developed to predict the effect of sequence changes on RNA splicing suggest that this variant may disrupt the consensus splice site. An algorithm developed to predict the effect of missense changes on protein structure and function (PolyPhen-2) suggests that this variant is likely to be disruptive. ClinVar contains an entry for this variant (Variation ID: 952386). This variant has not been reported in the literature in individuals affected with TRAPPC11-related conditions. This sequence change replaces arginine, which is basic and polar, with glycine, which is neutral and non-polar, at codon 988 of the TRAPPC11 protein (p.Arg988Gly).